The following is an entry in ClinVar:

ClinVar aggregate classification (germline): Uncertain significance. Review status: criteria provided, multiple submitters, no conflicts (2 of 4 stars). 2 submissions from 2 submitters: Uncertain significance (2). Last evaluated 2026-02-09.

Conditions:
AKR1D1-related disorder. Also called: AKR1D1-related condition.

gnomAD v4.1: 54 of 1,613,990 alleles (0.0033%); highest among the groups gnomAD compares: African/African-American, 0.041%; no homozygotes.

Submissions (2):

PreventionGenetics, part of Exact Sciences
Classification: Uncertain significance for AKR1D1-related condition. Last evaluated: 2026-02-09. Review status: criteria provided, single submitter. Criteria: ACMG Guidelines, 2015. Collection method: clinical testing. Allele origin: germline.
Comment: The AKR1D1 c.944G>A variant is predicted to result in the amino acid substitution p.Arg315His. To our knowledge, this variant has not been reported in the literature. This variant is reported in 0.016% of alleles in individuals of African descent in gnomAD. At this time, the clinical significance of this variant is uncertain due to the absence of conclusive functional and genetic evidence.

Blueprint Genetics
Classification: Uncertain significance. Last evaluated: 2024-09-09. Review status: criteria provided, single submitter. Criteria: ACMG Guidelines, 2015. Collection method: clinical testing. Allele origin: germline.

NM_005989.4(AKR1D1):c.944G>A (p.Arg315His)

Gene: AKR1D1 (aldo-keto reductase family 1 member D1; plus strand). Cytogenetic location: 7q33.
Variant type: single nucleotide variant.
Coding change: c.944G>A on transcript NM_005989.4 (MANE Select); coding-DNA position 944, G replaced by A.
Protein change: p.Arg315His; replaces arginine 315 with histidine.
Molecular consequence: missense variant. On other transcripts: synonymous variant (1).
Genome position (GRCh38, 1-based): chr7:138,116,625, G>A. VCF-style: chr7-138116625-G-A. GRCh37 (hg19) VCF-style: chr7-137801371-G-A.
Other names: c.821G>A, p.Arg274His (NM_001190906.2); c.861G>A, p.Ala287= (NM_001190907.2); c.944G>A (NM_005989.3); short protein forms R315H, R274H.
Identifiers: ClinVar variation 4898014 (VCV004898014.2).
Genomic context (GRCh38, chr7:138,116,625, plus strand): 5'-TACAGCTGTGCAATTTTTGAGTGAACTTTTTTCTGTGGGGGAATTGTTTTGGCAGGTGGC[G>A]CGATCATCCTGAATACCCATTTCATGATGAATACTGACTGCAGGGAGTTCCTGAACAGAT-3'
Protein context (NP_005980.1, residues 305-325): NVRFVELLMW[Arg315His]DHPEYPFHDE